The following is an entry in ClinVar:

ClinVar aggregate classification (germline): Uncertain significance (1 of 4 stars; one submission).

Allele frequency attached by ClinVar (database versions not stated): gnomAD exomes below 0.00001; ExAC 0.00001; TOPMed 0.00002.

Submission:

Labcorp Genetics (formerly Invitae), Labcorp
Classification: Uncertain significance. Last evaluated: 2021-08-31. Review status: criteria provided, single submitter. Criteria: Invitae Variant Classification Sherloc (09022015). Collection method: clinical testing. Allele origin: germline.
Comment: This sequence change replaces valine with methionine at codon 167 of the RTTN protein (p.Val167Met). The valine residue is moderately conserved and there is a small physicochemical difference between valine and methionine. This variant is present in population databases (rs774390301, ExAC 0.001%). This variant has not been reported in the literature in individuals affected with RTTN-related conditions. Algorithms developed to predict the effect of missense changes on protein structure and function are either unavailable or do not agree on the potential impact of this missense change (SIFT: "Deleterious"; PolyPhen-2: "Benign"; Align-GVGD: "Class C0"). In summary, the available evidence is currently insufficient to determine the role of this variant in disease. Therefore, it has been classified as a Variant of Uncertain Significance.

NM_173630.4(RTTN):c.499G>A (p.Val167Met)

Gene: RTTN (rotatin; minus strand). Cytogenetic location: 18q22.2.
Variant type: single nucleotide variant.
Coding change: c.499G>A on transcript NM_173630.4 (MANE Select); coding-DNA position 499, G replaced by A.
Protein change: p.Val167Met; replaces valine 167 with methionine.
Molecular consequence: missense variant. On other transcripts: 5 prime UTR variant (1).
Genome position (GRCh38, 1-based): chr18:70,199,493, C>T on the plus strand (G>A on the coding strand, the complement: RTTN is on the minus strand). VCF-style: chr18-70199493-C-T. GRCh37 (hg19) VCF-style: chr18-67866729-C-T.
Other names: c.-2055G>A (NM_001318520.2); short protein forms V167M.
Identifiers: ClinVar variation 1449553 (VCV001449553.5), dbSNP rs774390301, ClinGen allele CA8996455.